The following is an entry in ClinVar:

NM_152490.5(B3GALNT2):c.735T>G (p.Asp245Glu)

Gene: B3GALNT2 (beta-1,3-N-acetylgalactosaminyltransferase 2; minus strand). Cytogenetic location: 1q42.3.
Variant type: single nucleotide variant.
Coding change: c.735T>G on transcript NM_152490.5 (MANE Select); coding-DNA position 735, T replaced by G.
Protein change: p.Asp245Glu; replaces aspartic acid 245 with glutamic acid.
Molecular consequence: missense variant.
Genome position (GRCh38, 1-based): chr1:235,470,877, A>C on the plus strand (T>G on the coding strand, the complement: B3GALNT2 is on the minus strand). VCF-style: chr1-235470877-A-C. GRCh37 (hg19) VCF-style: chr1-235634191-A-C.
Other names: c.858T>G, p.Asp286Glu (NM_001277155.3); short protein forms D286E, D245E.
Identifiers: ClinVar variation 3639725 (VCV003639725.2).
Genomic context (GRCh38, chr1:235,470,877, plus strand): 5'-TATGCAATTAAACCTTAAAAAAAAACGACTTACTGTAATGACTCTGAGAACTCCCCCTCC[A>C]TCATTCACTGTCACTTTGTGGAGATTTCTTGACACAAGGCCGTGGAGGTCTTGGCTCTCC-3'
Protein context (NP_689703.1, residues 235-255): SRNLHKVTVN[Asp245Glu]GGGVLRVITA

ClinVar aggregate classification (germline): Uncertain significance (1 of 4 stars; one submission).

Conditions:
Muscular dystrophy-dystroglycanopathy (congenital with brain and eye anomalies), type a, 11 (MDDGA11). Also called: WALKER-WARBURG SYNDROME OR MUSCLE-EYE-BRAIN DISEASE, B3GALNT2-RELATED; Congenital muscular dystrophy-dystroglycanopathy with brain and eye anomalies, type A11; Muscular dystrophy-dystroglycanopathy (congenital with brain and eye anomalies, type A, 11. Identifiers: Orphanet 588, Orphanet 899, MedGen C3554638, MONDO:0014071, OMIM 615181.

Submission:

Labcorp Genetics (formerly Invitae), Labcorp
Classification: Uncertain significance for Muscular dystrophy-dystroglycanopathy (congenital with brain and eye anomalies), type a, 11. Last evaluated: 2024-09-26. Review status: criteria provided, single submitter. Criteria: Invitae Variant Classification Sherloc (09022015). Collection method: clinical testing. Allele origin: germline.
Comment: This sequence change replaces aspartic acid, which is acidic and polar, with glutamic acid, which is acidic and polar, at codon 245 of the B3GALNT2 protein (p.Asp245Glu). This variant is not present in population databases (gnomAD no frequency). This variant has not been reported in the literature in individuals affected with B3GALNT2-related conditions. Invitae Evidence Modeling of protein sequence and biophysical properties (such as structural, functional, and spatial information, amino acid conservation, physicochemical variation, residue mobility, and thermodynamic stability) indicates that this missense variant is not expected to disrupt B3GALNT2 protein function with a negative predictive value of 80%. Algorithms developed to predict the effect of sequence changes on RNA splicing suggest that this variant may disrupt the consensus splice site. In summary, the available evidence is currently insufficient to determine the role of this variant in disease. Therefore, it has been classified as a Variant of Uncertain Significance.